The following is an entry in ClinVar:

NM_000051.4(ATM):c.8850+17G>A

Genes: ATM (ATM serine/threonine kinase; plus strand), C11orf65 (chromosome 11 open reading frame 65; minus strand). Cytogenetic location: 11q22.3.
Variant type: single nucleotide variant.
Coding change: c.8850+17G>A on transcript NM_000051.4 (MANE Select); 17 bases into the intron after coding-DNA position 8850, G replaced by A.
Molecular consequence: intron variant.
Genome position (GRCh38, 1-based): chr11:108,354,891, G>A. VCF-style: chr11-108354891-G-A. GRCh37 (hg19) VCF-style: chr11-108225618-G-A.
Other names: c.8850+17G>A (NM_001351834.2); c.640+31029C>T (NM_001330368.2); c.695-19599C>T (NM_001351110.2).
Identifiers: ClinVar variation 377524 (VCV000377524.14), dbSNP rs1027667991, ClinGen allele CA16605843.

ClinVar aggregate classification (germline): Likely benign. Review status: criteria provided, multiple submitters, no conflicts (2 of 4 stars). 5 submissions from 5 submitters: Likely benign (5). Last evaluated 2025-11-12.

Conditions:
Ataxia-telangiectasia syndrome (AT). Also called: Ataxia-telangiectasia, complementation group D; Ataxia-telangiectasia, complementation group E; LOUIS-BAR SYNDROME; AT, COMPLEMENTATION GROUP C; ATAXIA-TELANGIECTASIA, COMPLEMENTATION GROUP A; ATAXIA-TELANGIECTASIA, FRESNO VARIANT. Identifiers: Orphanet 100, MedGen C0004135, MONDO:0008840, OMIM 208900.
Hereditary cancer-predisposing syndrome. Also called: Neoplastic Syndromes, Hereditary; Hereditary neoplastic syndrome; Hereditary Cancer Syndrome; Tumor predisposition. Identifiers: Orphanet 140162, MedGen C0027672, MeSH D009386, MONDO:0015356.

Allele frequency attached by ClinVar (database versions not stated): TOPMed 0.00003; gnomAD 0.00001; gnomAD exomes below 0.00001.
gnomAD v4.1: 8 of 1,600,058 alleles (0.0005%); highest among the groups gnomAD compares: African/African-American, 0.0027%; no homozygotes.

Submissions (5):

Labcorp Genetics (formerly Invitae), Labcorp
Classification: Likely benign for Ataxia-telangiectasia syndrome. Last evaluated: 2025-11-12. Review status: criteria provided, single submitter. Criteria: Invitae Variant Classification Sherloc (09022015). Collection method: clinical testing. Allele origin: germline.

Center for Genomic Medicine, Rigshospitalet, Copenhagen University Hospital
Classification: Likely benign. Last evaluated: 2025-03-04. Review status: criteria provided, single submitter. Criteria: ACMG Guidelines, 2015. Collection method: clinical testing. Allele origin: germline.

Blueprint Genetics
Classification: Likely benign. Last evaluated: 2022-08-08. Review status: criteria provided, single submitter. Criteria: ACMG Guidelines, 2015. Collection method: clinical testing. Allele origin: germline.

Color Diagnostics, LLC DBA Color Health
Classification: Likely benign for Hereditary cancer-predisposing syndrome. Last evaluated: 2017-02-21. Review status: criteria provided, single submitter. Criteria: ACMG Guidelines, 2015. Collection method: clinical testing. Allele origin: germline.

GeneDx
Classification: Likely benign. Last evaluated: 2016-04-20. Review status: criteria provided, single submitter. Criteria: GeneDx Variant Classification (06012015). Collection method: clinical testing. Allele origin: germline. Affected: yes.
Comment: This variant is considered likely benign or benign based on one or more of the following criteria: it is a conservative change, it occurs at a poorly conserved position in the protein, it is predicted to be benign by multiple in silico algorithms, and/or has population frequency not consistent with disease.